The following is an entry in ClinVar:

ClinVar aggregate classification (germline): Pathogenic (1 of 4 stars; one submission).

Conditions:
Congenital disorder of glycosylation, type Iaa. Also called: Congenital disorder of glycosylation, type 1aa. Identifiers: MedGen C4310727, MONDO:0014904, OMIM 617082.

Submission:

Labcorp Genetics (formerly Invitae), Labcorp
Classification: Pathogenic for Congenital disorder of glycosylation, type Iaa. Last evaluated: 2024-02-23. Review status: criteria provided, single submitter. Criteria: Invitae Variant Classification Sherloc (09022015). Collection method: clinical testing. Allele origin: germline.
Comment: This sequence change creates a premature translational stop signal (p.Tyr5*) in the NUS1 gene. It is expected to result in an absent or disrupted protein product. Loss-of-function variants in NUS1 are known to be pathogenic (PMID: 29100083). This variant is not present in population databases (gnomAD no frequency). This variant has not been reported in the literature in individuals affected with NUS1-related conditions. ClinVar contains an entry for this variant (Variation ID: 1386407). For these reasons, this variant has been classified as Pathogenic.

Literature cited by the submitters: PubMed 29100083.

NM_138459.5(NUS1):c.15C>A (p.Tyr5Ter)

Gene: NUS1 (NUS1 dehydrodolichyl diphosphate synthase subunit; plus strand). Cytogenetic location: 6q22.1.
Variant type: single nucleotide variant.
Coding change: c.15C>A on transcript NM_138459.5 (MANE Select); coding-DNA position 15, C replaced by A.
Protein change: p.Tyr5Ter; replaces tyrosine 5 with a stop codon.
Molecular consequence: nonsense.
Genome position (GRCh38, 1-based): chr6:117,675,685, C>A. VCF-style: chr6-117675685-C-A. GRCh37 (hg19) VCF-style: chr6-117996848-C-A.
Other names: short protein forms Y5*.
Identifiers: ClinVar variation 1386407 (VCV001386407.6), dbSNP rs1449400618, ClinGen allele CA365535721.